The following is an entry in ClinVar:

ClinVar aggregate classification (germline): Pathogenic/Likely pathogenic. Review status: criteria provided, multiple submitters, no conflicts (2 of 4 stars). 2 submissions from 2 submitters: Pathogenic (1); Likely pathogenic (1). Last evaluated 2024-12-13.

Conditions:
Inborn genetic diseases. Identifiers: MedGen C0950123, MeSH D030342.

Allele frequency attached by ClinVar (database versions not stated): TOPMed below 0.00001; gnomAD 0.00001; 1000 Genomes Project 30x 0.00016.
gnomAD v4.1: 2 of 1,613,618 alleles (0.00012%); highest among the groups gnomAD compares: East Asian, 0.0022%; no homozygotes.

Submissions (2):

GeneDx
Classification: Pathogenic. Last evaluated: 2024-12-13. Review status: criteria provided, single submitter. Criteria: GeneDx Variant Classification Process June 2021. Collection method: clinical testing. Allele origin: germline. Affected: yes.
Comment: Not observed at significant frequency in large population cohorts (gnomAD); In silico analysis supports that this missense variant has a deleterious effect on protein structure/function; This variant is associated with the following publications: (PMID: 24167460, 10835628, 11114740, 19002718, 25896638)

Ambry Genetics
Classification: Likely pathogenic for Inborn genetic diseases. Last evaluated: 2017-03-22. Review status: criteria provided, single submitter. Criteria: Ambry exome assertion method (8-5-2015). Collection method: clinical testing. Allele origin: germline. Affected: yes. Observed: 1 variant allele.

Literature cited by the submitters: PubMed 24167460 (cited by Ambry Genetics); PubMed 19002718 (cited by Ambry Genetics).

NM_182925.5(FLT4):c.3391G>A (p.Gly1131Ser)

Gene: FLT4 (fms related receptor tyrosine kinase 4; minus strand). Cytogenetic location: 5q35.3.
Variant type: single nucleotide variant.
Coding change: c.3391G>A on transcript NM_182925.5 (MANE Select); coding-DNA position 3391, G replaced by A.
Protein change: p.Gly1131Ser; replaces glycine 1131 with serine.
Molecular consequence: missense variant.
Genome position (GRCh38, 1-based): chr5:180,613,051, C>T on the plus strand (G>A on the coding strand, the complement: FLT4 is on the minus strand). VCF-style: chr5-180613051-C-T. GRCh37 (hg19) VCF-style: chr5-180040051-C-T.
Other names: c.3391G>A, p.Gly1131Ser (NM_001354989.2, NM_002020.5); c.3391G>A (NM_182925.4); short protein forms G1131S.
Identifiers: ClinVar variation 521648 (VCV000521648.5), dbSNP rs1554109707, ClinGen allele CA362499967.
Genomic context (GRCh38, chr5:180,613,051, plus strand): 5'-AGGGCCATGGGGAGGCTCACATGGCGGGAGTGGCCAGCTCCGGGGCCCTCATCCTTGTGC[C>T]GTCTCTCAGCCGCTGGCAGAACTCCTCATTGATCTGCACCCCAGGGTACGGGGAGGCCCC-3'
Protein context (NP_891555.2, residues 1121-1141): NEEFCQRLRD[Gly1131Ser]TRMRAPELAT